The following is an entry in ClinVar:

NM_005263.5(GFI1):c.577_578delinsAA (p.Ala193Asn)

Gene: GFI1 (growth factor independent 1 transcriptional repressor; minus strand). Cytogenetic location: 1p22.1.
Variant type: Indel.
Coding change: c.577_578delinsAA on transcript NM_005263.5 (MANE Select); coding-DNA positions 577 to 578, GC replaced by AA.
Protein change: p.Ala193Asn; replaces alanine 193 with asparagine.
Molecular consequence: missense variant.
Genome position (GRCh38, 1-based): chr1:92,480,809-92,480,810, GC replaced by TT on the plus strand (GC replaced by AA on the coding strand, the reverse complement: GFI1 is on the minus strand). VCF-style: chr1-92480809-GC-TT. GRCh37 (hg19) VCF-style: chr1-92946366-GC-TT.
Other names: c.577_578delinsAA, p.Ala193Asn (NM_001127215.3, NM_001127216.3); short protein forms A193N.
Identifiers: ClinVar variation 3682596 (VCV003682596.2).

ClinVar aggregate classification (germline): Uncertain significance (1 of 4 stars; one submission).

Conditions:
Neutropenia, severe congenital, 2, autosomal dominant. Identifiers: Orphanet 486, MedGen C2751288, MONDO:0013139, OMIM 613107.

Submission:

Labcorp Genetics (formerly Invitae), Labcorp
Classification: Uncertain significance for Neutropenia, severe congenital, 2, autosomal dominant. Last evaluated: 2024-04-01. Review status: criteria provided, single submitter. Criteria: Invitae Variant Classification Sherloc (09022015). Collection method: clinical testing. Allele origin: germline.
Comment: This sequence change replaces alanine, which is neutral and non-polar, with asparagine, which is neutral and polar, at codon 193 of the GFI1 protein (p.Ala193Asn). Information on the frequency of this variant in the gnomAD database is not available, as this variant may be reported differently in the database. This variant has not been reported in the literature in individuals affected with GFI1-related conditions. An algorithm developed to predict the effect of missense changes on protein structure and function (PolyPhen-2) suggests that this variant is likely to be tolerated. In summary, the available evidence is currently insufficient to determine the role of this variant in disease. Therefore, it has been classified as a Variant of Uncertain Significance.